The following is an entry in ClinVar:

ClinVar aggregate classification (germline): Pathogenic. Review status: criteria provided, multiple submitters, no conflicts (2 of 4 stars). 3 submissions from 3 submitters: Pathogenic (2). 1 of the submissions does not count toward it. Last evaluated 2023-03-21.

Conditions:
TSC2-related disorder. Also called: TSC2-Related Disorders; TSC2-related condition.
Tuberous sclerosis syndrome (TSC). Also called: Tuberous Sclerosis Complex; Tuberous sclerosis. Identifiers: Orphanet 805, MedGen C0041341, MONDO:0001734.
Tuberous sclerosis 2 (TSC2). Identifiers: Orphanet 805, MedGen C1860707, MONDO:0013199, OMIM 613254.

Submissions (3):

Blueprint Genetics
Classification: Pathogenic for TSC2-related disorders. Last evaluated: 2023-03-21. Review status: criteria provided, single submitter. Criteria: ACMG Guidelines, 2015. Collection method: clinical testing. Allele origin: germline. Affected: yes. Observed: 1 variant allele.

Labcorp Genetics (formerly Invitae), Labcorp
Classification: Pathogenic for Tuberous sclerosis 2. Last evaluated: 2019-01-11. Review status: criteria provided, single submitter. Criteria: Invitae Variant Classification Sherloc (09022015). Collection method: clinical testing. Allele origin: germline.
Comment: This variant has been reported in individuals in the Leiden Open-source Variation Database (PMID: 21520333). ClinVar contains an entry for this variant (Variation ID: 65345). This variant is not present in population databases (ExAC no frequency). This sequence change creates a premature translational stop signal (p.Thr242Asnfs*96) in the TSC2 gene. It is expected to result in an absent or disrupted protein product. For these reasons, this variant has been classified as Pathogenic. Loss-of-function variants in TSC2 are known to be pathogenic (PMID: 10205261, 17304050).

Tuberous sclerosis database (TSC2)
No classification provided. Condition: TSC. Review status: no classification provided. Criteria: Tuberous Sclerosis Database Assertion Criteria 2015. Collection method: curation. Allele origin: germline. Affected: yes. Not counted in ClinVar's aggregate classification.

Literature cited by the submitters: PubMed 21520333 (cited by Labcorp Genetics (formerly Invitae), Labcorp); PubMed 10205261 (cited by Labcorp Genetics (formerly Invitae), Labcorp); PubMed 17304050 (cited by Labcorp Genetics (formerly Invitae), Labcorp).

NM_000548.5(TSC2):c.724dup (p.Thr242fs)

Gene: TSC2 (TSC complex subunit 2; plus strand). Cytogenetic location: 16p13.3.
Variant type: Duplication.
Coding change: c.724dup on transcript NM_000548.5 (MANE Select); coding-DNA position 724, one base duplicated (A; older notation c.724dupA).
Protein change: p.Thr242fs; shifts the reading frame from threonine 242.
Molecular consequence: frameshift variant.
Genome position (GRCh38, 1-based): chr16:2,056,719, A duplicated. VCF-style (leftmost placement, unchanged base first): chr16-2056718-T-TA. GRCh37 (hg19) VCF-style: chr16-2106719-T-TA.
Other names: c.724dup, p.Thr242fs (NM_001077183.3, NM_001114382.3, NM_001363528.2 and 3 more transcripts); c.613dup, p.Thr205fs (NM_001318827.2); c.577dup, p.Thr193fs (NM_001318829.2); c.124dup, p.Thr42fs (NM_001318831.2); c.757dup, p.Thr253fs (NM_001318832.2); short protein forms T253fs, T205fs, T193fs, T242fs, T42fs.
Identifiers: ClinVar variation 65345 (VCV000065345.9), dbSNP rs397515256, ClinGen allele CA022864.